The following is an entry in ClinVar:

NM_005045.4(RELN):c.5350G>A (p.Val1784Met)

Gene: RELN (reelin; minus strand). Cytogenetic location: 7q22.1.
Variant type: single nucleotide variant.
Coding change: c.5350G>A on transcript NM_005045.4 (MANE Select); coding-DNA position 5350, G replaced by A.
Protein change: p.Val1784Met; replaces valine 1784 with methionine.
Molecular consequence: missense variant.
Genome position (GRCh38, 1-based): chr7:103,561,814, C>T on the plus strand (G>A on the coding strand, the complement: RELN is on the minus strand). VCF-style: chr7-103561814-C-T. GRCh37 (hg19) VCF-style: chr7-103202261-C-T.
Other names: c.5350G>A, p.Val1784Met (NM_173054.3); short protein forms V1784M.
Identifiers: ClinVar variation 196957 (VCV000196957.15), dbSNP rs374736779, ClinGen allele CA244799.

ClinVar aggregate classification (germline): Uncertain significance. Review status: criteria provided, multiple submitters, no conflicts (2 of 4 stars). 3 submissions from 3 submitters: Uncertain significance (3). Last evaluated 2025-12-03.

Conditions:
Inborn genetic diseases. Identifiers: MedGen C0950123, MeSH D030342.
Norman-Roberts syndrome (LIS2). Also called: Lissencephaly 2 (Norman-Roberts type). Identifiers: Orphanet 89844, MedGen C0796089, MONDO:0009760, OMIM 257320.
Familial temporal lobe epilepsy 7. Identifiers: Orphanet 101046, MedGen C4225327, MONDO:0014639, OMIM 616436.

Allele frequency attached by ClinVar (database versions not stated): ExAC 0.00001; gnomAD exomes 0.00001 and 0.00002; gnomAD 0.00002; TOPMed 0.00003; ESP Exome Variant Server 0.00008.
gnomAD v4.1: 16 of 1,613,878 alleles (0.00099%); highest among the groups gnomAD compares: African/African-American, 0.0027%; no homozygotes.

Submissions (3):

Ambry Genetics
Classification: Uncertain significance for Inborn genetic diseases. Last evaluated: 2025-12-03. Review status: criteria provided, single submitter. Criteria: Ambry Variant Classification Scheme 2023. Collection method: clinical testing. Allele origin: germline.

Labcorp Genetics (formerly Invitae), Labcorp
Classification: Uncertain significance for Familial temporal lobe epilepsy 7; Norman-Roberts syndrome. Last evaluated: 2025-11-03. Review status: criteria provided, single submitter. Criteria: Invitae Variant Classification Sherloc (09022015). Collection method: clinical testing. Allele origin: germline.
Comment: This sequence change replaces valine, which is neutral and non-polar, with methionine, which is neutral and non-polar, at codon 1784 of the RELN protein (p.Val1784Met). This variant is present in population databases (rs374736779, gnomAD 0.007%). This variant has not been reported in the literature in individuals affected with RELN-related conditions. ClinVar contains an entry for this variant (Variation ID: 196957). An algorithm developed to predict the effect of missense changes on protein structure and function outputs the following: PolyPhen-2: "Benign". The methionine amino acid residue is found in multiple mammalian species, which suggests that this missense change does not adversely affect protein function. In summary, the available evidence is currently insufficient to determine the role of this variant in disease. Therefore, it has been classified as a Variant of Uncertain Significance.

Eurofins Ntd Llc (ga)
Classification: Uncertain significance. Last evaluated: 2014-12-03. Review status: criteria provided, single submitter. Criteria: EGL Classification Definitions 2015. Collection method: clinical testing. Allele origin: germline. Observed: 1 variant allele, 1 heterozygote.